The following is an entry in ClinVar:

ClinVar aggregate classification (germline): Uncertain significance (1 of 4 stars; one submission).

gnomAD v4.1: 183 of 1,613,964 alleles (0.011%); highest among the groups gnomAD compares: Non-Finnish European, 0.015%; no homozygotes.

Submission:

Athena Diagnostics
Classification: Uncertain significance. Last evaluated: 2023-12-13. Review status: criteria provided, single submitter. Criteria: Athena Diagnostics Criteria. Collection method: clinical testing. Allele origin: unknown.
Comment: Available data are insufficient to determine the clinical significance of the variant at this time. The frequency of this variant in the general population is uninformative in assessment of its pathogenicity. Computational tools yielded predictions that this variant is unlikely to have an effect on normal RNA splicing.

NM_005866.4(SIGMAR1):c.*9G>C

Gene: SIGMAR1 (sigma non-opioid intracellular receptor 1; minus strand). Cytogenetic location: 9p13.3.
Variant type: single nucleotide variant.
Coding change: c.*9G>C on transcript NM_005866.4 (MANE Select); 9 bases downstream of the stop codon, G replaced by C.
Molecular consequence: 3 prime UTR variant. On other transcripts: missense variant (1), non-coding transcript variant (1).
Genome position (GRCh38, 1-based): chr9:34,635,623, C>G on the plus strand (G>C on the coding strand, the complement: SIGMAR1 is on the minus strand). VCF-style: chr9-34635623-C-G. GRCh37 (hg19) VCF-style: chr9-34635620-C-G.
Other names: c.463G>C, p.Ala155Pro (NM_001282205.2); c.*9G>C (NM_001282206.2, NM_001282207.2, NM_147157.3); c.*224G>C (NM_001282208.2); c.*208G>C (NM_001282209.2); short protein forms A155P.
Identifiers: ClinVar variation 3571887 (VCV003571887.1).